The following is an entry in ClinVar:

NM_001447.3(FAT2):c.2466C>T (p.Pro822=)

Gene: FAT2 (FAT atypical cadherin 2; minus strand). Cytogenetic location: 5q33.1.
Variant type: single nucleotide variant.
Coding change: c.2466C>T on transcript NM_001447.3 (MANE Select); coding-DNA position 2466, C replaced by T.
Protein change: p.Pro822=; no amino-acid change (proline 822 retained).
Molecular consequence: synonymous variant.
Genome position (GRCh38, 1-based): chr5:151,566,466, G>A on the plus strand (C>T on the coding strand, the complement: FAT2 is on the minus strand). VCF-style: chr5-151566466-G-A. GRCh37 (hg19) VCF-style: chr5-150946027-G-A.
Identifiers: ClinVar variation 3040653 (VCV003040653.2), dbSNP rs141641920, ClinGen allele CA3522065.
Genomic context (GRCh38, chr5:151,566,466, plus strand): 5'-CAGCTCTGCAATTGTGGTTCCAACTTCTGTGTCCTCCGAGATGGTTAACTGGTACCCACC[G>A]GGAGGAAATCTGGGTGCGTTGTCATTCCAGTCTTTCACATTCACTGTCAGCAGCTTCCAG-3'
Protein context (NP_001438.1, residues 812-832): DWNDNAPRFP[Pro822=]GGYQLTISED

ClinVar aggregate classification (germline): Likely benign (0 of 4 stars; one submission).

Conditions:
FAT2-related disorder. Also called: FAT2-related condition.

Allele frequency attached by ClinVar (database versions not stated): ExAC 0.00002; TOPMed 0.00003; ESP Exome Variant Server 0.00008.
gnomAD v4.1: 35 of 1,613,508 alleles (0.0022%); highest among the groups gnomAD compares: African/African-American, 0.004%; no homozygotes.

Submission:

PreventionGenetics, part of Exact Sciences
Classification: Likely benign for FAT2-related condition. Last evaluated: 2019-09-17. Review status: no assertion criteria provided. Collection method: clinical testing. Allele origin: germline.
Comment: This variant is classified as likely benign based on ACMG/AMP sequence variant interpretation guidelines (Richards et al. 2015 PMID: 25741868, with internal and published modifications).